The following is an entry in ClinVar:

ClinVar aggregate classification (germline): Uncertain significance. Review status: criteria provided, multiple submitters, no conflicts (2 of 4 stars). 2 submissions from 2 submitters: Uncertain significance (2). Last evaluated 2025-09-19.

Allele frequency attached by ClinVar (database versions not stated): TOPMed 0.00002.

Submissions (2):

Ambry Genetics
Classification: Uncertain significance. Last evaluated: 2025-09-19. Review status: criteria provided, single submitter. Criteria: Ambry Variant Classification Scheme 2023. Collection method: clinical testing. Allele origin: germline.
Comment: The p.G12R variant (also known as c.34G>C), located in coding exon 1 of the FAM175A gene, results from a G to C substitution at nucleotide position 34. The glycine at codon 12 is replaced by arginine, an amino acid with dissimilar properties. This amino acid position is conserved. In addition, this alteration is predicted to be deleterious by in silico analysis. Since supporting evidence is limited at this time, the clinical significance of this alteration remains unclear.

Labcorp Genetics (formerly Invitae), Labcorp
Classification: Uncertain significance. Last evaluated: 2023-10-04. Review status: criteria provided, single submitter. Criteria: Invitae Variant Classification Sherloc (09022015). Collection method: clinical testing. Allele origin: germline.
Comment: This sequence change replaces glycine, which is neutral and non-polar, with arginine, which is basic and polar, at codon 12 of the ABRAXAS1 protein (p.Gly12Arg). This variant is not present in population databases (gnomAD no frequency). This variant has not been reported in the literature in individuals affected with ABRAXAS1-related conditions. ClinVar contains an entry for this variant (Variation ID: 999268). Advanced modeling of protein sequence and biophysical properties (such as structural, functional, and spatial information, amino acid conservation, physicochemical variation, residue mobility, and thermodynamic stability) performed at Invitae indicates that this missense variant is expected to disrupt ABRAXAS1 protein function. In summary, the available evidence is currently insufficient to determine the role of this variant in disease. Therefore, it has been classified as a Variant of Uncertain Significance.

NM_139076.3(ABRAXAS1):c.34G>C (p.Gly12Arg)

Genes: ABRAXAS1 (abraxas 1, BRCA1 A complex subunit; minus strand), LOC129992784 (ATAC-STARR-seq lymphoblastoid silent region 15542; plus strand). Cytogenetic location: 4q21.23.
Variant type: single nucleotide variant.
Coding change: c.34G>C on transcript NM_139076.3 (MANE Select); coding-DNA position 34, G replaced by C.
Protein change: p.Gly12Arg; replaces glycine 12 with arginine.
Molecular consequence: missense variant. On other transcripts: 5 prime UTR variant (1).
Genome position (GRCh38, 1-based): chr4:83,485,039, C>G on the plus strand (G>C on the coding strand, the complement: ABRAXAS1 is on the minus strand). VCF-style: chr4-83485039-C-G. GRCh37 (hg19) VCF-style: chr4-84406192-C-G.
Other names: c.34G>C (NM_139076.2); c.-227G>C (NM_001345962.2); short protein forms G12R.
Identifiers: ClinVar variation 999268 (VCV000999268.12), dbSNP rs1176605464, ClinGen allele CA357264040.
Genomic context (GRCh38, chr4:83,485,039, plus strand): 5'-GGCTCACCGTGTCCGAGTCCGTGTTGAGGTGCTGGAAAGCGAGTGCGCCGAGCACAAAGC[C>G]CGAGAGCACCGCCGACGTACTCTCCCCCTCCATGCTACCGCCGCCTCAGGCTACACAAGA-3'
Protein context (NP_620775.2, residues 2-22): EGESTSAVLS[Gly12Arg]FVLGALAFQH